The following is an entry in ClinVar:

NM_001290216.3(RARB):c.20C>T (p.Ala7Val)

Gene: RARB (retinoic acid receptor beta; plus strand). Cytogenetic location: 3p24.2.
Variant type: single nucleotide variant.
Coding change: c.20C>T on transcript NM_001290216.3; coding-DNA position 20, C replaced by T.
Protein change: p.Ala7Val; replaces alanine 7 with valine.
Molecular consequence: missense variant.
Genome position (GRCh38, 1-based): chr3:25,174,417, C>T. VCF-style: chr3-25174417-C-T. GRCh37 (hg19) VCF-style: chr3-25215908-C-T.
Other names: short protein forms A7V.
Identifiers: ClinVar variation 3357109 (VCV003357109.2).

ClinVar aggregate classification (germline): Likely benign. Review status: criteria provided, single submitter (1 of 4 stars). 2 submissions from 2 submitters: Likely benign (1). 1 of the submissions does not count toward it. Last evaluated 2019-04-17.

Conditions:
Intellectual disability. Also called: Intellectual functioning disability; intellectual disabilities; Intellectual developmental disorder. Identifiers: MedGen C3714756, MeSH D008607, MONDO:0001071, HP:0001249.
RARB-related disorder. Also called: RARB-related condition.

gnomAD v4.1: 510 of 1,352,022 alleles (0.038%); highest among the groups gnomAD compares: Admixed American, 0.057%; no homozygotes.

Submissions (2):

Cambridge Genomics Laboratory, East Genomic Laboratory Hub, NHS Genomic Medicine Service
Classification: Likely benign for Intellectual disability. Last evaluated: 2019-04-17. Review status: criteria provided, single submitter. Criteria: ACGS Best Practice Guidelines for Variant Classification in Rare Disease 2020. Collection method: clinical testing. Allele origin: germline. Affected: yes. Observed: 1 variant allele.

PreventionGenetics, part of Exact Sciences
Classification: Uncertain significance for RARB-related condition. Last evaluated: 2024-03-24. Review status: no assertion criteria provided. Collection method: clinical testing. Allele origin: germline. Not counted in ClinVar's aggregate classification.
Comment: The RARB c.20C>T variant is predicted to result in the amino acid substitution p.Ala7Val. To our knowledge, this variant has not been reported in the literature. This variant is reported in 0.045% of alleles in individuals of European (Non-Finnish) descent in gnomAD. At this time, the clinical significance of this variant is uncertain due to the absence of conclusive functional and genetic evidence.